The following is an entry in ClinVar:

ClinVar aggregate classification (germline): Uncertain significance (1 of 4 stars; one submission).

Conditions:
Supravalvar aortic stenosis (SVAS). Also called: Supravalvar aortic stenosis, Eisenberg type. Identifiers: Orphanet 3193, MedGen C0003499, MONDO:0008504, OMIM 185500, HP:0004381.

Allele frequency attached by ClinVar (database versions not stated): gnomAD exomes below 0.00001; gnomAD 0.00001.
gnomAD v4.1: 5 of 1,614,064 alleles (0.00031%); highest among the groups gnomAD compares: Non-Finnish European, 0.00042%; no homozygotes.

Submission:

Labcorp Genetics (formerly Invitae), Labcorp
Classification: Uncertain significance for Supravalvar aortic stenosis. Last evaluated: 2024-05-06. Review status: criteria provided, single submitter. Criteria: Invitae Variant Classification Sherloc (09022015). Collection method: clinical testing. Allele origin: germline.
Comment: This sequence change replaces proline, which is neutral and non-polar, with histidine, which is basic and polar, at codon 194 of the ELN protein (p.Pro194His). This variant is present in population databases (no rsID available, gnomAD 0.007%). This variant has not been reported in the literature in individuals affected with ELN-related conditions. Advanced modeling of protein sequence and biophysical properties (such as structural, functional, and spatial information, amino acid conservation, physicochemical variation, residue mobility, and thermodynamic stability) performed at Invitae indicates that this missense variant is not expected to disrupt ELN protein function with a negative predictive value of 80%. In summary, the available evidence is currently insufficient to determine the role of this variant in disease. Therefore, it has been classified as a Variant of Uncertain Significance.

NM_000501.4(ELN):c.581C>A (p.Pro194His)

Gene: ELN (elastin; plus strand). Cytogenetic location: 7q11.23.
Variant type: single nucleotide variant.
Coding change: c.581C>A on transcript NM_000501.4 (MANE Select); coding-DNA position 581, C replaced by A.
Protein change: p.Pro194His; replaces proline 194 with histidine.
Molecular consequence: missense variant.
Genome position (GRCh38, 1-based): chr7:74,046,705, C>A. VCF-style: chr7-74046705-C-A. GRCh37 (hg19) VCF-style: chr7-73461035-C-A.
Other names: c.551C>A, p.Pro184His (NM_001081752.3, NM_001278917.2); c.596C>A, p.Pro199His (NM_001081753.3, NM_001081754.3); c.581C>A, p.Pro194His (NM_001081755.3, NM_001278912.2, NM_001278915.2 and 2 more transcripts); c.515C>A, p.Pro172His (NM_001278913.2); c.566C>A, p.Pro189His (NM_001278914.2); c.449C>A, p.Pro150His (NM_001278918.2); short protein forms P172H, P194H, P199H, P150H, P184H, P189H.
Identifiers: ClinVar variation 2734813 (VCV002734813.3), dbSNP rs1554672436, ClinGen allele CA367870220.
Genomic context (GRCh38, chr7:74,046,705, plus strand): 5'-GGGTTTGGAAGGGGGTGCTGGGACCTGAACTTGCTCTCTTTATTCCCACAGGAGTTGGAC[C>A]CTTTGGGGGACCGCAACCTGGAGTCCCACTGGGGTATCCCATCAAGGCCCCCAAGCTGCC-3'
Protein context (NP_000492.2, residues 184-204): GAFAGIPGVG[Pro194His]FGGPQPGVPL